The following is an entry in ClinVar:

ClinVar aggregate classification (germline): Uncertain significance (1 of 4 stars; one submission).

Allele frequency attached by ClinVar (database versions not stated): gnomAD exomes below 0.00001.
gnomAD v4.1: 1 of 1,587,498 alleles (0.000063%); highest among the groups gnomAD compares: Non-Finnish European, 0.000087%; no homozygotes.

Submission:

GeneDx
Classification: Uncertain significance. Last evaluated: 2022-01-20. Review status: criteria provided, single submitter. Criteria: GeneDx Variant Classification Process June 2021. Collection method: clinical testing. Allele origin: germline. Affected: yes.
Comment: Not observed at significant frequency in large population cohorts (gnomAD); In silico analysis supports that this missense variant has a deleterious effect on protein structure/function; Has not been previously published as pathogenic or benign to our knowledge

NM_001103146.3(GIGYF2):c.191A>G (p.Asp64Gly)

Gene: GIGYF2 (GRB10 interacting GYF protein 2; plus strand). Cytogenetic location: 2q37.1.
Variant type: single nucleotide variant.
Coding change: c.191A>G on transcript NM_001103146.3 (MANE Select); coding-DNA position 191, A replaced by G.
Protein change: p.Asp64Gly; replaces aspartic acid 64 with glycine.
Molecular consequence: missense variant. On other transcripts: non-coding transcript variant (1).
Genome position (GRCh38, 1-based): chr2:232,749,006, A>G. VCF-style: chr2-232749006-A-G. GRCh37 (hg19) VCF-style: chr2-233613716-A-G.
Other names: c.191A>G, p.Asp64Gly (NM_001103147.2, NM_001103148.2, NM_015575.4); short protein forms D64G.
Identifiers: ClinVar variation 1698255 (VCV001698255.2), dbSNP rs1698248203, ClinGen allele CA351003957.